The following is an entry in ClinVar:

ClinVar aggregate classification (germline): Benign/Likely benign. Review status: criteria provided, multiple submitters, no conflicts (2 of 4 stars). 5 submissions from 5 submitters: Benign (1); Likely benign (4). Last evaluated 2026-02-01.

Conditions:
Intellectual developmental disorder, X-linked 1. Also called: Intellectual disability, X-linked 1; Atkin Flaitz Patil Smith syndrome; MENTAL RETARDATION, X-LINKED 18; MENTAL RETARDATION, X-LINKED 78. Identifiers: Orphanet 777, MedGen C2931498, MONDO:0010656, OMIM 309530.
Inborn genetic diseases. Identifiers: MedGen C0950123, MeSH D030342.

Allele frequency attached by ClinVar (database versions not stated): gnomAD exomes 0.00003; gnomAD 0.00008 and 0.00007; ExAC 0.00021; TOPMed 0.00006.
gnomAD v4.1: 145 of 1,161,664 alleles (0.012%); highest among the groups gnomAD compares: Non-Finnish European, 0.017%; no homozygotes.

Submissions (5):

CeGaT Center for Human Genetics Tuebingen
Classification: Likely benign. Last evaluated: 2026-02-01. Review status: criteria provided, single submitter. Criteria: CeGaT Center For Human Genetics Tuebingen Variant Classification Criteria Version 2. Collection method: clinical testing. Allele origin: germline. Affected: yes. Observed: 3 variant alleles.
Comment: IQSEC2: BP4, BP7, BS2

Labcorp Genetics (formerly Invitae), Labcorp
Classification: Benign for Intellectual developmental disorder, X-linked 1. Last evaluated: 2024-05-06. Review status: criteria provided, single submitter. Criteria: Invitae Variant Classification Sherloc (09022015). Collection method: clinical testing. Allele origin: germline.

Blueprint Genetics
Classification: Likely benign. Last evaluated: 2020-06-16. Review status: criteria provided, single submitter. Criteria: ACMG Guidelines, 2015. Collection method: clinical testing. Allele origin: germline.

Ambry Genetics
Classification: Likely benign for Inborn genetic diseases. Last evaluated: 2017-06-12. Review status: criteria provided, single submitter. Criteria: Ambry Variant Classification Scheme 2023. Collection method: clinical testing. Allele origin: germline.

GeneDx
Classification: Likely benign. Last evaluated: 2016-08-16. Review status: criteria provided, single submitter. Criteria: GeneDx Variant Classification (06012015). Collection method: clinical testing. Allele origin: germline. Affected: yes.
Comment: This variant is considered likely benign or benign based on one or more of the following criteria: it is a conservative change, it occurs at a poorly conserved position in the protein, it is predicted to be benign by multiple in silico algorithms, and/or has population frequency not consistent with disease.

NM_001111125.3(IQSEC2):c.214C>T (p.Leu72=)

Gene: IQSEC2 (IQ motif and Sec7 domain ArfGEF 2; minus strand). Cytogenetic location: Xp11.22.
Variant type: single nucleotide variant.
Coding change: c.214C>T on transcript NM_001111125.3 (MANE Select); coding-DNA position 214, C replaced by T.
Protein change: p.Leu72=; no amino-acid change (leucine 72 retained).
Molecular consequence: synonymous variant.
Genome position (GRCh38, 1-based): chrX:53,320,910, G>A on the plus strand (C>T on the coding strand, the complement: IQSEC2 is on the minus strand). VCF-style: chrX-53320910-G-A. GRCh37 (hg19) VCF-style: chrX-53350108-G-A.
Identifiers: ClinVar variation 388576 (VCV000388576.27), dbSNP rs782434593, ClinGen allele CA10420222.